The following is an entry in ClinVar:

ClinVar aggregate classification (germline): Uncertain significance. Review status: criteria provided, multiple submitters, no conflicts (2 of 4 stars). 2 submissions from 2 submitters: Uncertain significance (2). Last evaluated 2025-07-23.

Submissions (2):

GeneDx
Classification: Uncertain significance. Last evaluated: 2025-07-23. Review status: criteria provided, single submitter. Criteria: GeneDx Variant Classification Process June 2021. Collection method: clinical testing. Allele origin: germline. Affected: yes.
Comment: Not observed at significant frequency in large population cohorts (gnomAD); In silico analysis supports that this missense variant has a deleterious effect on protein structure/function; Has not been previously published as pathogenic or benign to our knowledge

Women's Health and Genetics/Laboratory Corporation of America, LabCorp
Classification: Uncertain significance. Last evaluated: 2020-09-21. Review status: criteria provided, single submitter. Criteria: LabCorp Variant Classification Summary - May 2015. Collection method: clinical testing. Allele origin: germline.
Comment: Variant summary: MN1 c.25C>G (p.Pro9Ala) results in a non-conservative amino acid change in the encoded protein sequence. Four of five in-silico tools predict a damaging effect of the variant on protein function. The variant was absent in 249028 control chromosomes. The available data on variant occurrences in the general population are insufficient to allow any conclusion about variant significance. To our knowledge, no occurrence of c.25C>G in individuals affected with CEBALID Syndrome and no experimental evidence demonstrating its impact on protein function have been reported. No clinical diagnostic laboratories have submitted clinical-significance assessments for this variant to ClinVar after 2014. Based on the evidence outlined above, the variant was classified as uncertain significance.

NM_002430.3(MN1):c.25C>G (p.Pro9Ala)

Gene: MN1 (MN1 proto-oncogene, transcriptional regulator; minus strand). Cytogenetic location: 22q12.1.
Variant type: single nucleotide variant.
Coding change: c.25C>G on transcript NM_002430.3 (MANE Select); coding-DNA position 25, C replaced by G.
Protein change: p.Pro9Ala; replaces proline 9 with alanine.
Molecular consequence: missense variant.
Genome position (GRCh38, 1-based): chr22:27,800,519, G>C on the plus strand (C>G on the coding strand, the complement: MN1 is on the minus strand). VCF-style: chr22-27800519-G-C. GRCh37 (hg19) VCF-style: chr22-28196507-G-C.
Other names: short protein forms P9A.
Identifiers: ClinVar variation 981085 (VCV000981085.2), dbSNP rs763125504, ClinGen allele CA411052181.
Genomic context (GRCh38, chr22:27,800,519, plus strand): 5'-TCAGTCCGGTCTCGTTAAAGTTCCTCTCGCCCTGGCCAGCGTTCCTGCTGTTGACCTGGG[G>C]CTCGAATTGGTCCAGCCCAAACATACTTGGCGGGGGGCAGAGGGGGATCAATAGGGCATG-3'
Protein context (NP_002421.3, residues 1-19): MFGLDQFE[Pro9Ala]QVNSRNAGQG